The following is an entry in ClinVar:

ClinVar aggregate classification (germline): Uncertain significance (1 of 4 stars; one submission).

gnomAD v4.1: 8 of 1,614,016 alleles (0.0005%); highest among the groups gnomAD compares: African/African-American, 0.004%; no homozygotes.

Submission:

Women's Health and Genetics/Laboratory Corporation of America, LabCorp
Classification: Uncertain significance. Last evaluated: 2026-05-13. Review status: criteria provided, single submitter. Criteria: LabCorp Variant Classification Summary - May 2015. Collection method: clinical testing. Allele origin: germline.
Comment: Variant summary: SYNE2 c.16363C>T (p.Arg5455X) results in a premature termination codon, predicted to cause a truncation of the encoded protein or absence of the protein due to nonsense mediated decay, however current evidence is not sufficient to establish loss of function as a mechanism for disease. The variant allele was found at a frequency of 2e-05 in 251268 control chromosomes. The available data on variant occurrences in the general population are insufficient to allow any conclusion about variant significance. To our knowledge, no occurrence of c.16363C>T in individuals affected with SYNE2-related conditions and no experimental evidence demonstrating its impact on protein function have been reported. No submitters have cited clinical-significance assessments for this variant to ClinVar. Based on the evidence outlined above, the variant was classified as uncertain significance.

NM_182914.3(SYNE2):c.16363C>T (p.Arg5455Ter)

Gene: SYNE2 (spectrin repeat containing nuclear envelope protein 2; plus strand). Cytogenetic location: 14q23.2.
Variant type: single nucleotide variant.
Coding change: c.16363C>T on transcript NM_182914.3 (MANE Select); coding-DNA position 16363, C replaced by T.
Protein change: p.Arg5455Ter; replaces arginine 5455 with a stop codon.
Molecular consequence: nonsense.
Genome position (GRCh38, 1-based): chr14:64,163,465, C>T. VCF-style: chr14-64163465-C-T. GRCh37 (hg19) VCF-style: chr14-64630183-C-T.
Other names: c.16363C>T, p.Arg5455Ter (NM_015180.6); short protein forms R5455*.
Identifiers: ClinVar variation 4853144 (VCV004853144.1).